The following is an entry in ClinVar:

NM_001848.2(COL6A1):c.-368C>T

Gene: COL6A1 (collagen type VI alpha 1 chain; plus strand). Cytogenetic location: 21q22.3.
Variant type: single nucleotide variant.
Coding change: c.-368C>T on transcript NM_001848.2; 368 bases upstream of the start codon, C replaced by T.
Genome position (GRCh38, 1-based): chr21:45,981,483, C>T. VCF-style: chr21-45981483-C-T. GRCh37 (hg19) VCF-style: chr21-47401397-C-T.
Identifiers: ClinVar variation 673579 (VCV000673579.3), dbSNP rs188909662, ClinGen allele CA321953984.

ClinVar aggregate classification (germline): Likely benign (1 of 4 stars; one submission).

Allele frequency attached by ClinVar (database versions not stated): 1000 Genomes Project 0.00779; 1000 Genomes Project 30x 0.00812; gnomAD 0.00757 and 0.00717; TOPMed 0.00841.

Submission:

GeneDx
Classification: Likely benign. Last evaluated: 2018-06-16. Review status: criteria provided, single submitter. Criteria: GeneDx Variant Classification (06012015). Collection method: clinical testing. Allele origin: germline. Affected: yes.
Comment: This variant is considered likely benign or benign based on one or more of the following criteria: it is a conservative change, it occurs at a poorly conserved position in the protein, it is predicted to be benign by multiple in silico algorithms, and/or has population frequency not consistent with disease.